The following is an entry in ClinVar:

ClinVar aggregate classification (germline): Uncertain significance. Review status: criteria provided, multiple submitters, no conflicts (2 of 4 stars). 2 submissions from 2 submitters: Uncertain significance (2). Last evaluated 2025-08-13.

Conditions:
Immunodeficiency. Identifiers: MedGen C0021051, MONDO:0021094, HP:0002721.

Allele frequency attached by ClinVar (database versions not stated): gnomAD exomes below 0.00001; gnomAD 0.00001; TOPMed 0.00001.
gnomAD v4.1: 3 of 1,614,066 alleles (0.00019%); highest among the groups gnomAD compares: Non-Finnish European, 0.00017%; no homozygotes.

Submissions (2):

Ambry Genetics
Classification: Uncertain significance. Last evaluated: 2025-08-13. Review status: criteria provided, single submitter. Criteria: Ambry Variant Classification Scheme 2023. Collection method: clinical testing. Allele origin: germline.

Labcorp Genetics (formerly Invitae), Labcorp
Classification: Uncertain significance for Immunodeficiency. Last evaluated: 2018-10-01. Review status: criteria provided, single submitter. Criteria: Invitae Variant Classification Sherloc (09022015). Collection method: clinical testing. Allele origin: germline.
Comment: This sequence change replaces asparagine with serine at codon 583 of the NFAT5 protein (p.Asn583Ser). The asparagine residue is moderately conserved and there is a small physicochemical difference between asparagine and serine. This variant is not present in population databases (ExAC no frequency). This variant has not been reported in the literature in individuals with NFAT5-related disease. Algorithms developed to predict the effect of missense changes on protein structure and function (SIFT, PolyPhen-2, Align-GVGD) all suggest that this variant is likely to be tolerated, but these predictions have not been confirmed by published functional studies and their clinical significance is uncertain. Algorithms developed to predict the effect of sequence changes on RNA splicing suggest that this variant may create or strengthen a splice site, but this prediction has not been confirmed by published transcriptional studies. In summary, the available evidence is currently insufficient to determine the role of this variant in disease. Therefore, it has been classified as a Variant of Uncertain Significance.

NM_138713.4(NFAT5):c.2030A>G (p.Asn677Ser)

Gene: NFAT5 (nuclear factor of activated T cells 5; plus strand). Cytogenetic location: 16q22.1.
Variant type: single nucleotide variant.
Coding change: c.2030A>G on transcript NM_138713.4 (MANE Select); coding-DNA position 2030, A replaced by G.
Protein change: p.Asn677Ser; replaces asparagine 677 with serine.
Molecular consequence: missense variant.
Genome position (GRCh38, 1-based): chr16:69,691,855, A>G. VCF-style: chr16-69691855-A-G. GRCh37 (hg19) VCF-style: chr16-69725758-A-G.
Other names: c.2030A>G, p.Asn677Ser (LRG_1332t1); c.2027A>G, p.Asn676Ser (NM_001113178.3); c.1355A>G, p.Asn452Ser (NM_001367709.1); c.1976A>G, p.Asn659Ser (NM_006599.4); c.1748A>G, p.Asn583Ser (NM_138714.4, NM_173214.3, NM_173215.3); c.2030A>G (NM_138713.3); short protein forms N452S, N659S, N583S, N676S, N677S.
Identifiers: ClinVar variation 665279 (VCV000665279.9), dbSNP rs1398457637, ClinGen allele CA396507066.